The following is an entry in ClinVar:

ClinVar aggregate classification (germline): Uncertain significance (1 of 4 stars; one submission).

Conditions:
Tumor predisposition syndrome 3 (TPDS3). Also called: Melanoma, cutaneous malignant, susceptibility to, 10; Glioma susceptibility 9; LONG TELOMERE SYNDROME, POT1-RELATED; POT1 Tumor Predisposition. Identifiers: Orphanet 618, MedGen C4014476, MONDO:0014368, OMIM 615848.

Submission:

Labcorp Genetics (formerly Invitae), Labcorp
Classification: Uncertain significance for Tumor predisposition syndrome 3. Last evaluated: 2024-10-06. Review status: criteria provided, single submitter. Criteria: Invitae Variant Classification Sherloc (09022015). Collection method: clinical testing. Allele origin: germline.
Comment: This variant, c.1042_1044del, results in the deletion of 1 amino acid(s) of the POT1 protein (p.Leu348del), but otherwise preserves the integrity of the reading frame. This variant is not present in population databases (gnomAD no frequency). This variant has not been reported in the literature in individuals affected with POT1-related conditions. Experimental studies and prediction algorithms are not available or were not evaluated, and the functional significance of this variant is currently unknown. In summary, the available evidence is currently insufficient to determine the role of this variant in disease. Therefore, it has been classified as a Variant of Uncertain Significance.

NM_015450.3(POT1):c.1042_1044del (p.Leu348del)

Gene: POT1 (protection of telomeres 1; minus strand). Cytogenetic location: 7q31.33.
Variant type: Deletion.
Coding change: c.1042_1044del on transcript NM_015450.3 (MANE Select); coding-DNA positions 1042 to 1044, 3 bases deleted (CTA; older notation c.1042_1044delCTA).
Protein change: p.Leu348del; deletes leucine 348.
Molecular consequence: non-coding transcript variant (on NR_003102.2).
Genome position (GRCh38, 1-based): chr7:124,842,926-124,842,928, TAG deleted on the plus strand (CTA on the coding strand, the reverse complement: POT1 is on the minus strand); deleting any 3 consecutive bases within chr7:124,842,926-124,842,929 gives the same sequence; the c. name uses the placement nearest the transcript's 3' end. VCF-style (leftmost placement, unchanged base first): chr7-124842925-ATAG-A. GRCh37 (hg19) VCF-style: chr7-124482979-ATAG-A.
Other names: c.649_651del, p.Leu217del (NM_001042594.2); short protein forms L217del, L348del.
Identifiers: ClinVar variation 3642838 (VCV003642838.2).
Genomic context (GRCh38, chr7:124,842,925, plus strand): 5'-ATGACCTCAATTTTGCTCGGATGCGGTATTGTTGAGGAGCTTTTTGTTTCAAAATGGCAC[ATAG>A]TGGTGTCCTCTCCAAATACTGATGATCTGTAAGTACTGTAAAGAATTTTTATATTCAATC-3'